The following is an entry in ClinVar:

NM_004168.4(SDHA):c.1662G>T (p.Arg554=)

Gene: SDHA (succinate dehydrogenase complex flavoprotein subunit A; plus strand). Cytogenetic location: 5p15.33.
Variant type: single nucleotide variant.
Coding change: c.1662G>T on transcript NM_004168.4 (MANE Select); coding-DNA position 1662, G replaced by T.
Protein change: p.Arg554=; no amino-acid change (arginine 554 retained).
Molecular consequence: synonymous variant. On other transcripts: intron variant (1).
Genome position (GRCh38, 1-based): chr5:251,102, G>T. VCF-style: chr5-251102-G-T. GRCh37 (hg19) VCF-style: chr5-251217-G-T.
Other names: c.1518G>T, p.Arg506= (NM_001294332.2); c.1552-3291G>T (NM_001330758.2).
Identifiers: ClinVar variation 663814 (VCV000663814.9), dbSNP rs1579438241, ClinGen allele CA442657324.
Genomic context (GRCh38, chr5:251,102, plus strand): 5'-AGGTTGTGGGAAAATCAGCAAGCTCTATGGAGACCTAAAGCACCTGAAGACGTTCGACCG[G>T]GGTGAGCAGACAGTGGGCTCTGTGCACACTGTTGGGCCCTTCCTTCTGCAGGGTGGGCTG-3'
Protein context (NP_004159.2, residues 544-564): GDLKHLKTFD[Arg554=]GMVWNTDLVE

ClinVar aggregate classification (germline): Uncertain significance (1 of 4 stars; one submission).

Conditions:
Pheochromocytoma/paraganglioma syndrome 5. Also called: Paragangliomas 5; SDHA-Related Hereditary Paraganglioma-Pheochromocytoma Syndrome. Identifiers: Orphanet 29072, MedGen C3279992, MONDO:0013602, OMIM 614165.
Mitochondrial complex II deficiency, nuclear type 1. Also called: SUCCINATE CoQ REDUCTASE DEFICIENCY. Identifiers: Orphanet 3208, MedGen C5700310, MONDO:0100294, OMIM 252011.

Submission:

Labcorp Genetics (formerly Invitae), Labcorp
Classification: Uncertain significance for Pheochromocytoma/paraganglioma syndrome 5; Mitochondrial complex II deficiency, nuclear type 1. Last evaluated: 2018-12-22. Review status: criteria provided, single submitter. Criteria: Invitae Variant Classification Sherloc (09022015). Collection method: clinical testing. Allele origin: germline.
Comment: This variant has not been reported in the literature in individuals with SDHA-related conditions. Algorithms developed to predict the effect of sequence changes on RNA splicing suggest that this variant is not likely to affect RNA splicing, but this prediction has not been confirmed by published transcriptional studies. In summary, the available evidence is currently insufficient to determine the role of this variant in disease. Therefore, it has been classified as a Variant of Uncertain Significance. This variant is not present in population databases (ExAC no frequency). This sequence change affects codon 554 of the SDHA mRNA. It is a 'silent' change, meaning that it does not change the encoded amino acid sequence of the SDHA protein.